The following is an entry in ClinVar:

NM_001005361.3(DNM2):c.1871G>T (p.Gly624Val)

Gene: DNM2 (dynamin 2; plus strand). Cytogenetic location: 19p13.2.
Variant type: single nucleotide variant.
Coding change: c.1871G>T on transcript NM_001005361.3 (MANE Select); coding-DNA position 1871, G replaced by T.
Protein change: p.Gly624Val; replaces glycine 624 with valine.
Molecular consequence: missense variant.
Genome position (GRCh38, 1-based): chr19:10,823,877, G>T. VCF-style: chr19-10823877-G-T. GRCh37 (hg19) VCF-style: chr19-10934553-G-T.
Other names: c.1871G>T, p.Gly624Val (NM_001005360.3, NM_001190716.2); c.1859G>T, p.Gly620Val (NM_001005362.3, NM_004945.4); short protein forms G624V, G620V.
Identifiers: ClinVar variation 2091810 (VCV002091810.4), dbSNP rs2513349037, ClinGen allele CA404041144.

ClinVar aggregate classification (germline): Uncertain significance (1 of 4 stars; one submission).

Conditions:
Charcot-Marie-Tooth disease dominant intermediate B (CMTDIB). Also called: CHARCOT-MARIE-TOOTH NEUROPATHY, DOMINANT INTERMEDIATE B; Charcot-Marie-Tooth disease dominant intermediate 1; CMT DI1; Charcot-Marie-Tooth disease dominant intermediate I. Identifiers: Orphanet 100044, Orphanet 228179, MedGen C1847902, MONDO:0011674, OMIM 606482.

Submission:

Labcorp Genetics (formerly Invitae), Labcorp
Classification: Uncertain significance for Charcot-Marie-Tooth disease dominant intermediate B. Last evaluated: 2022-02-11. Review status: criteria provided, single submitter. Criteria: Invitae Variant Classification Sherloc (09022015). Collection method: clinical testing. Allele origin: germline.
Comment: This sequence change replaces glycine, which is neutral and non-polar, with valine, which is neutral and non-polar, at codon 624 of the DNM2 protein (p.Gly624Val). This variant is not present in population databases (gnomAD no frequency). This variant has not been reported in the literature in individuals affected with DNM2-related conditions. Advanced modeling of protein sequence and biophysical properties (such as structural, functional, and spatial information, amino acid conservation, physicochemical variation, residue mobility, and thermodynamic stability) performed at Invitae indicates that this missense variant is expected to disrupt DNM2 protein function. In summary, the available evidence is currently insufficient to determine the role of this variant in disease. Therefore, it has been classified as a Variant of Uncertain Significance.